The following is an entry in ClinVar:

NM_001127511.3(APC):c.166-28745C>T

Gene: APC (APC regulator of Wnt signaling pathway; plus strand). Cytogenetic location: 5q22.2.
Variant type: single nucleotide variant.
Coding change: c.166-28745C>T on transcript NM_001127511.3; 28745 bases into the intron before coding-DNA position 166, C replaced by T.
Molecular consequence: intron variant.
Genome position (GRCh38, 1-based): chr5:112,737,581, C>T. VCF-style: chr5-112737581-C-T. GRCh37 (hg19) VCF-style: chr5-112073278-C-T.
Other names: c.-1053-17292C>T (NM_001407470.1, NM_001407472.1); c.-18-17292C>T (NM_001407447.1, NM_001354895.2, NM_001407456.1 and 7 more transcripts); c.166-28745C>T (NM_001407446.1, NM_001354897.2, NM_001354902.2); c.-42-28745C>T (NM_001407453.1).
Identifiers: ClinVar variation 3036169 (VCV003036169.2), dbSNP rs907399631, ClinGen allele CA124948571.

ClinVar aggregate classification (germline): Likely benign (0 of 4 stars; one submission).

Conditions:
APC-related disorder. Also called: APC-related condition.

Allele frequency attached by ClinVar (database versions not stated): gnomAD 0.00002; TOPMed 0.00002.
gnomAD v4.1: 3 of 152,256 alleles (0.002%); highest among the groups gnomAD compares: Non-Finnish European, 0.0044%; no homozygotes.

Submission:

PreventionGenetics, part of Exact Sciences
Classification: Likely benign for APC-related condition. Last evaluated: 2023-04-17. Review status: no assertion criteria provided. Collection method: clinical testing. Allele origin: germline.
Comment: This variant is classified as likely benign based on ACMG/AMP sequence variant interpretation guidelines (Richards et al. 2015 PMID: 25741868, with internal and published modifications).